The following is an entry in ClinVar:

NM_004285.4(H6PD):c.902G>A (p.Arg301Gln)

Gene: H6PD (hexose-6-phosphate dehydrogenase/glucose 1-dehydrogenase; plus strand). Cytogenetic location: 1p36.22.
Variant type: single nucleotide variant.
Coding change: c.902G>A on transcript NM_004285.4 (MANE Select); coding-DNA position 902, G replaced by A.
Protein change: p.Arg301Gln; replaces arginine 301 with glutamine.
Molecular consequence: missense variant.
Genome position (GRCh38, 1-based): chr1:9,262,215, G>A. VCF-style: chr1-9262215-G-A. GRCh37 (hg19) VCF-style: chr1-9322274-G-A.
Other names: c.935G>A, p.Arg312Gln (NM_001282587.2); c.902G>A (NM_004285.3); short protein forms R312Q, R301Q.
Identifiers: ClinVar variation 2714450 (VCV002714450.2), dbSNP rs149621074, ClinGen allele CA575119.

ClinVar aggregate classification (germline): Uncertain significance. Review status: criteria provided, multiple submitters, no conflicts (2 of 4 stars). 2 submissions from 2 submitters: Uncertain significance (2). Last evaluated 2024-10-30.

Conditions:
Inborn genetic diseases. Identifiers: MedGen C0950123, MeSH D030342.

Allele frequency attached by ClinVar (database versions not stated): TOPMed 0.00014; ESP Exome Variant Server 0.00015; 1000 Genomes Project 30x 0.00016; 1000 Genomes Project 0.00020; gnomAD exomes 0.00024; gnomAD 0.00033; ExAC 0.00040.
gnomAD v4.1: 392 of 1,613,968 alleles (0.024%); highest among the groups gnomAD compares: Non-Finnish European, 0.023%; no homozygotes.

Submissions (2):

Ambry Genetics
Classification: Uncertain significance for Inborn genetic diseases. Last evaluated: 2024-10-30. Review status: criteria provided, single submitter. Criteria: Ambry Variant Classification Scheme 2023. Collection method: clinical testing. Allele origin: germline.

Labcorp Genetics (formerly Invitae), Labcorp
Classification: Uncertain significance. Last evaluated: 2023-12-07. Review status: criteria provided, single submitter. Criteria: Invitae Variant Classification Sherloc (09022015). Collection method: clinical testing. Allele origin: germline.
Comment: This sequence change replaces arginine, which is basic and polar, with glutamine, which is neutral and polar, at codon 301 of the H6PD protein (p.Arg301Gln). This variant is present in population databases (rs149621074, gnomAD 0.2%). This variant has not been reported in the literature in individuals affected with H6PD-related conditions. Advanced modeling of protein sequence and biophysical properties (such as structural, functional, and spatial information, amino acid conservation, physicochemical variation, residue mobility, and thermodynamic stability) performed at Invitae indicates that this missense variant is not expected to disrupt H6PD protein function with a negative predictive value of 80%. In summary, the available evidence is currently insufficient to determine the role of this variant in disease. Therefore, it has been classified as a Variant of Uncertain Significance.